The following is an entry in ClinVar:

NM_015028.4(TNIK):c.2461C>T (p.Arg821Cys)

Gene: TNIK (TRAF2 and NCK interacting kinase; minus strand). Cytogenetic location: 3q26.2.
Variant type: single nucleotide variant.
Coding change: c.2461C>T on transcript NM_015028.4 (MANE Select); coding-DNA position 2461, C replaced by T.
Protein change: p.Arg821Cys; replaces arginine 821 with cysteine.
Molecular consequence: missense variant.
Genome position (GRCh38, 1-based): chr3:171,101,579, G>A on the plus strand (C>T on the coding strand, the complement: TNIK is on the minus strand). VCF-style: chr3-171101579-G-A. GRCh37 (hg19) VCF-style: chr3-170819368-G-A.
Other names: c.2437C>T, p.Arg813Cys (NM_001161560.3); c.2374C>T, p.Arg792Cys (NM_001161561.3); c.2350C>T, p.Arg784Cys (NM_001161562.3); c.2296C>T, p.Arg766Cys (NM_001161563.3); c.2272C>T, p.Arg758Cys (NM_001161564.3); c.2209C>T, p.Arg737Cys (NM_001161565.3); c.2185C>T, p.Arg729Cys (NM_001161566.3); short protein forms R792C, R766C, R813C, R821C, R737C, R758C, R729C, R784C.
Identifiers: ClinVar variation 5006582 (VCV005006582.2).

ClinVar aggregate classification (germline): Uncertain significance (1 of 4 stars; one submission).

Conditions:
Intellectual developmental disorder, autosomal recessive 54. Also called: Intellectual disability, autosomal recessive 54. Identifiers: Orphanet 88616, MedGen C4310755, MONDO:0014876, OMIM 617028.

gnomAD v4.1: 15 of 1,613,076 alleles (0.00093%); highest among the groups gnomAD compares: East Asian, 0.0045%; no homozygotes.

Submission:

Juno Genomics, Hangzhou Juno Genomics, Inc
Classification: Uncertain significance for Intellectual developmental disorder, autosomal recessive 54. Review status: criteria provided, single submitter. Criteria: ACMG Guidelines, 2015. Collection method: clinical testing. Allele origin: germline.
Comment: Missense variant in a gene that has a low rate of benign missense variation.;Multiple lines of computational evidence support a deleterious effect on the gene or gene product.;Absent from controls (or at extremely low frequency if recessive) in Genome Aggregation Database.